The following is an entry in ClinVar:

ClinVar aggregate classification (germline): Uncertain significance (1 of 4 stars; one submission).

Submission:

GeneDx
Classification: Uncertain significance. Last evaluated: 2026-03-20. Review status: criteria provided, single submitter. Criteria: GeneDx Variant Classification Process June 2021. Collection method: clinical testing. Allele origin: germline.
Comment: Not observed at significant frequency in large population cohorts (gnomAD); In silico analysis supports that this missense variant has a deleterious effect on protein structure/function; Has not been previously published as pathogenic or benign to our knowledge

NM_016269.5(LEF1):c.781C>T (p.Pro261Ser)

Gene: LEF1 (lymphoid enhancer binding factor 1; minus strand). Cytogenetic location: 4q25.
Variant type: single nucleotide variant.
Coding change: c.781C>T on transcript NM_016269.5 (MANE Select); coding-DNA position 781, C replaced by T.
Protein change: p.Pro261Ser; replaces proline 261 with serine.
Molecular consequence: missense variant.
Genome position (GRCh38, 1-based): chr4:108,079,556, G>A on the plus strand (C>T on the coding strand, the complement: LEF1 is on the minus strand). VCF-style: chr4-108079556-G-A. GRCh37 (hg19) VCF-style: chr4-109000712-G-A.
Other names: c.697C>T, p.Pro233Ser (NM_001130713.3, NM_001130714.3); c.493C>T, p.Pro165Ser (NM_001166119.2); short protein forms P165S, P233S, P261S.
Identifiers: ClinVar variation 5017012 (VCV005017012.1).
Genomic context (GRCh38, chr4:108,079,556, plus strand): 5'-GCATTAGGTCACTGTCAGTGTGGGGATGTTCCTGTTTGACCTGAGGTGTTACAATAGCTG[G>A]ATGAGGGATGCCAGTTGTGTGGGGACCAGGAGGACCGGGAATCATATGATGGGAAAACCT-3'
Protein context (NP_057353.1, residues 251-271): PGPHTTGIPH[Pro261Ser]AIVTPQVKQE